The following is an entry in ClinVar:

ClinVar aggregate classification (germline): Benign/Likely benign. Review status: criteria provided, multiple submitters, no conflicts (2 of 4 stars). 4 submissions from 4 submitters: Benign (2); Likely benign (1). 1 of the submissions does not count toward it. Last evaluated 2026-06-05.

Conditions:
TSHB-related disorder. Also called: TSHB-related condition.

Allele frequency attached by ClinVar (database versions not stated): gnomAD exomes 0.00034 and 0.00093; ExAC 0.00118; 1000 Genomes Project 30x 0.00281; 1000 Genomes Project 0.00319; gnomAD 0.00376 and 0.00417; TOPMed 0.00453; ESP Exome Variant Server 0.00454.
gnomAD v4.1: 1,113 of 1,613,852 alleles (0.069%); highest among the groups gnomAD compares: African/African-American, 1.3%; 8 homozygotes.

Submissions (4):

Women's Health and Genetics/Laboratory Corporation of America, LabCorp
Classification: Likely benign. Last evaluated: 2026-06-05. Review status: criteria provided, single submitter. Criteria: LabCorp Variant Classification Summary - May 2015. Collection method: clinical testing. Allele origin: germline.
Comment: Variant summary: TSHB c.296T>C (p.Val99Ala) results in a non-conservative amino acid change in the encoded protein sequence. Algorithms developed to predict the effect of missense changes on protein structure and function all suggest that this variant is likely to be disruptive. The variant allele was found at a frequency of 0.00093 in 251316 control chromosomes, predominantly at a frequency of 0.013 within the African or African-American subpopulation in the gnomAD database, including 5 homozygotes. The observed variant frequency within African or African-American control individuals in the gnomAD database exceeds the estimated maximal expected allele frequency for disease-causing variants in TSHB. To our knowledge, no occurrence of c.296T>C in individuals affected with TSHB-related conditions and no experimental evidence demonstrating its impact on protein function have been reported. The following publication has been ascertained in the context of this evaluation (PMID: 33326993). ClinVar contains an entry for this variant (Variation ID: 719340). Based on the evidence outlined above, the variant was classified as likely benign.

Labcorp Genetics (formerly Invitae), Labcorp
Classification: Benign. Last evaluated: 2026-01-28. Review status: criteria provided, single submitter. Criteria: Invitae Variant Classification Sherloc (09022015). Collection method: clinical testing. Allele origin: germline.

Breakthrough Genomics
Classification: Benign. Review status: criteria provided, single submitter. Criteria: ACMG Guidelines, 2015. Collection method: not provided. Allele origin: germline. Inheritance: Autosomal recessive inheritance. Affected: yes.

PreventionGenetics, part of Exact Sciences
Classification: Benign for TSHB-related condition. Last evaluated: 2019-05-01. Review status: no assertion criteria provided. Collection method: clinical testing. Allele origin: germline. Not counted in ClinVar's aggregate classification.
Comment: This variant is classified as benign based on ACMG/AMP sequence variant interpretation guidelines (Richards et al. 2015 PMID: 25741868, with internal and published modifications).

Literature cited by the submitters: PubMed 33326993 (cited by Women's Health and Genetics/Laboratory Corporation of America, LabCorp).

NM_000549.5(TSHB):c.296T>C (p.Val99Ala)

Gene: TSHB (thyroid stimulating hormone subunit beta; plus strand). Cytogenetic location: 1p13.2.
Variant type: single nucleotide variant.
Coding change: c.296T>C on transcript NM_000549.5 (MANE Select); coding-DNA position 296, T replaced by C.
Protein change: p.Val99Ala; replaces valine 99 with alanine.
Molecular consequence: missense variant.
Genome position (GRCh38, 1-based): chr1:115,034,106, T>C. VCF-style: chr1-115034106-T-C. GRCh37 (hg19) VCF-style: chr1-115576727-T-C.
Other names: c.161T>C, p.Val54Ala (NM_001277991.1); short protein forms V99A, V54A.
Identifiers: ClinVar variation 719340 (VCV000719340.11), dbSNP rs138267022, ClinGen allele CA1022585.